The following is an entry in ClinVar:

NM_006922.4(SCN3A):c.764T>C (p.Val255Ala)

Gene: SCN3A (sodium voltage-gated channel alpha subunit 3; minus strand). Cytogenetic location: 2q24.3.
Variant type: single nucleotide variant.
Coding change: c.764T>C on transcript NM_006922.4 (MANE Select); coding-DNA position 764, T replaced by C.
Protein change: p.Val255Ala; replaces valine 255 with alanine.
Molecular consequence: missense variant.
Genome position (GRCh38, 1-based): chr2:165,162,759, A>G on the plus strand (T>C on the coding strand, the complement: SCN3A is on the minus strand). VCF-style: chr2-165162759-A-G. GRCh37 (hg19) VCF-style: chr2-166019269-A-G.
Other names: c.764T>C, p.Val255Ala (NM_001081676.2, NM_001081677.2); c.764T>C (NM_006922.3); short protein forms V255A.
Identifiers: ClinVar variation 2042360 (VCV002042360.7), dbSNP rs984447366, ClinGen allele CA60230245.

ClinVar aggregate classification (germline): Uncertain significance. Review status: criteria provided, multiple submitters, no conflicts (2 of 4 stars). 4 submissions from 4 submitters: Uncertain significance (4). Last evaluated 2024-07-09.

Conditions:
Inborn genetic diseases. Identifiers: MedGen C0950123, MeSH D030342.
Epilepsy, familial focal, with variable foci 4 (FFEVF4). Identifiers: MedGen C4693694, MONDO:0054776, OMIM 617935.

Allele frequency attached by ClinVar (database versions not stated): gnomAD exomes below 0.00001; TOPMed below 0.00001.
gnomAD v4.1: 3 of 1,614,112 alleles (0.00019%); highest among the groups gnomAD compares: Non-Finnish European, 0.00025%; no homozygotes.

Submissions (4):

Ambry Genetics
Classification: Uncertain significance for Inborn genetic diseases. Last evaluated: 2024-07-09. Review status: criteria provided, single submitter. Criteria: Ambry Variant Classification Scheme 2023. Collection method: clinical testing. Allele origin: germline.

Genomic Medicine Center of Excellence, King Faisal Specialist Hospital and Research Centre
Classification: Uncertain significance for Epilepsy, familial focal, with variable foci 4. Last evaluated: 2024-03-25. Review status: criteria provided, single submitter. Criteria: ACMG Guidelines, 2015. Collection method: clinical testing. Allele origin: germline.

GeneDx
Classification: Uncertain significance. Last evaluated: 2024-02-05. Review status: criteria provided, single submitter. Criteria: GeneDx Variant Classification Process June 2021. Collection method: clinical testing. Allele origin: germline. Affected: yes.
Comment: Not observed at significant frequency in large population cohorts (gnomAD); In silico analysis supports that this missense variant has a deleterious effect on protein structure/function; Has not been previously published as pathogenic or benign to our knowledge

Labcorp Genetics (formerly Invitae), Labcorp
Classification: Uncertain significance. Last evaluated: 2024-01-07. Review status: criteria provided, single submitter. Criteria: Invitae Variant Classification Sherloc (09022015). Collection method: clinical testing. Allele origin: germline.
Comment: This sequence change replaces valine, which is neutral and non-polar, with alanine, which is neutral and non-polar, at codon 255 of the SCN3A protein (p.Val255Ala). This variant is present in population databases (no rsID available, gnomAD 0.0009%). This variant has not been reported in the literature in individuals affected with SCN3A-related conditions. ClinVar contains an entry for this variant (Variation ID: 2042360). Advanced modeling of protein sequence and biophysical properties (such as structural, functional, and spatial information, amino acid conservation, physicochemical variation, residue mobility, and thermodynamic stability) has been performed at Invitae for this missense variant, however the output from this modeling did not meet the statistical confidence thresholds required to predict the impact of this variant on SCN3A protein function. In summary, the available evidence is currently insufficient to determine the role of this variant in disease. Therefore, it has been classified as a Variant of Uncertain Significance.